The following is an entry in ClinVar:

NM_014484.5(MOCS3):c.391G>T (p.Ala131Ser)

Gene: MOCS3 (molybdenum cofactor synthesis 3; plus strand). Cytogenetic location: 20q13.13.
Variant type: single nucleotide variant.
Coding change: c.391G>T on transcript NM_014484.5 (MANE Select); coding-DNA position 391, G replaced by T.
Protein change: p.Ala131Ser; replaces alanine 131 with serine.
Molecular consequence: missense variant.
Genome position (GRCh38, 1-based): chr20:50,959,233, G>T. VCF-style: chr20-50959233-G-T. GRCh37 (hg19) VCF-style: chr20-49575770-G-T.
Other names: c.391G>T (NM_014484.3, NM_014484.4); short protein forms A131S.
Identifiers: ClinVar variation 1428605 (VCV001428605.8), dbSNP rs757214647, ClinGen allele CA9909401.
Genomic context (GRCh38, chr20:50,959,233, plus strand): 5'-CTTGTGGACTATGACGTGGTAGAGATGAGCAACCTGGCCCGCCAAGTGCTGCATGGCGAG[G>T]CACTGGCTGGCCAGGCCAAGGCCTTTTCGGCCGCCGCCTCGCTGCGCCGCCTCAATTCGG-3'
Protein context (NP_055299.1, residues 121-141): NLARQVLHGE[Ala131Ser]LAGQAKAFSA

ClinVar aggregate classification (germline): Uncertain significance. Review status: criteria provided, multiple submitters, no conflicts (2 of 4 stars). 2 submissions from 2 submitters: Uncertain significance (2). Last evaluated 2025-08-10.

Conditions:
Combined molybdoflavoprotein enzyme deficiency (MOCOD). Also called: Combined deficiency of sulfite oxidase, xanthine dehydrogenase, and aldehyde oxidase; Molybdenum cofactor deficiency; Sulfite oxidase deficiency due to molybdenum cofactor deficiency. Identifiers: Orphanet 833, Orphanet 99732, MedGen C0268119, MONDO:0020480, HP:0003570.

Submissions (2):

Labcorp Genetics (formerly Invitae), Labcorp
Classification: Uncertain significance. Last evaluated: 2025-08-10. Review status: criteria provided, single submitter. Criteria: Invitae Variant Classification Sherloc (09022015). Collection method: clinical testing. Allele origin: germline.
Comment: This sequence change replaces alanine, which is neutral and non-polar, with serine, which is neutral and polar, at codon 131 of the MOCS3 protein (p.Ala131Ser). This variant is present in population databases (rs757214647, gnomAD 0.007%). This variant has not been reported in the literature in individuals affected with MOCS3-related conditions. ClinVar contains an entry for this variant (Variation ID: 1428605). An algorithm developed to predict the effect of missense changes on protein structure and function outputs the following: PolyPhen-2: "Benign". The serine amino acid residue is found in multiple mammalian species, which suggests that this missense change does not adversely affect protein function. In summary, the available evidence is currently insufficient to determine the role of this variant in disease. Therefore, it has been classified as a Variant of Uncertain Significance.

Ambry Genetics
Classification: Uncertain significance. Last evaluated: 2023-11-14. Review status: criteria provided, single submitter. Criteria: Ambry Variant Classification Scheme 2023. Collection method: clinical testing. Allele origin: germline.